The following is an entry in ClinVar:

NM_015021.3(ZNF292):c.722A>G (p.Asn241Ser)

Gene: ZNF292 (zinc finger protein 292; plus strand). Cytogenetic location: 6q14.3.
Variant type: single nucleotide variant.
Coding change: c.722A>G on transcript NM_015021.3 (MANE Select); coding-DNA position 722, A replaced by G.
Protein change: p.Asn241Ser; replaces asparagine 241 with serine.
Molecular consequence: missense variant.
Genome position (GRCh38, 1-based): chr6:87,233,508, A>G. VCF-style: chr6-87233508-A-G. GRCh37 (hg19) VCF-style: chr6-87943226-A-G.
Other names: c.302A>G, p.Asn101Ser (NM_001351444.2); short protein forms N101S, N241S.
Identifiers: ClinVar variation 2682255 (VCV002682255.1), dbSNP rs2482126121, ClinGen allele CA364929889.

ClinVar aggregate classification (germline): Uncertain significance (1 of 4 stars; one submission).

Allele frequency attached by ClinVar (database versions not stated): gnomAD exomes below 0.00001.
gnomAD v4.1: 2 of 1,610,930 alleles (0.00012%); highest among the groups gnomAD compares: African/African-American, 0.0013%; no homozygotes.

Submission:

Women's Health and Genetics/Laboratory Corporation of America, LabCorp
Classification: Uncertain significance. Last evaluated: 2023-11-22. Review status: criteria provided, single submitter. Criteria: LabCorp Variant Classification Summary - May 2015. Collection method: clinical testing. Allele origin: germline.
Comment: Variant summary: ZNF292 c.722A>G (p.Asn241Ser) results in a conservative amino acid change in the encoded protein sequence. Five of five in-silico tools predict a benign effect of the variant on protein function. The variant was absent in 247364 control chromosomes. The available data on variant occurrences in the general population are insufficient to allow any conclusion about variant significance. To our knowledge, no occurrence of c.722A>G in individuals affected with Autosomal Dominant Intellectual Developmental Disorder 64 and no experimental evidence demonstrating its impact on protein function have been reported. No submitters have cited clinical-significance assessments for this variant to ClinVar after 2014. Based on the evidence outlined above, the variant was classified as uncertain significance.